The following is an entry in ClinVar:

ClinVar aggregate classification (germline): Uncertain significance (1 of 4 stars; one submission).

Conditions:
Multiple gastrointestinal atresias. Also called: FAMILIAL INTESTINAL POLYATRESIA SYNDROME; Multiple intestinal atresia. Identifiers: Orphanet 2300, MedGen C0220744, MONDO:0009465.

Allele frequency attached by ClinVar (database versions not stated): gnomAD exomes below 0.00001.
gnomAD v4.1: 2 of 1,614,114 alleles (0.00012%); highest among the groups gnomAD compares: Non-Finnish European, 0.00017%; no homozygotes.

Submission:

Labcorp Genetics (formerly Invitae), Labcorp
Classification: Uncertain significance for Multiple gastrointestinal atresias. Last evaluated: 2021-11-24. Review status: criteria provided, single submitter. Criteria: Invitae Variant Classification Sherloc (09022015). Collection method: clinical testing. Allele origin: germline.
Comment: This variant has not been reported in the literature in individuals affected with TTC7A-related conditions. In summary, the available evidence is currently insufficient to determine the role of this variant in disease. Therefore, it has been classified as a Variant of Uncertain Significance. Algorithms developed to predict the effect of missense changes on protein structure and function are either unavailable or do not agree on the potential impact of this missense change (SIFT: "Tolerated"; PolyPhen-2: "Possibly Damaging"; Align-GVGD: "Class C0"). This variant is not present in population databases (gnomAD no frequency). This sequence change replaces lysine, which is basic and polar, with glutamic acid, which is acidic and polar, at codon 516 of the TTC7A protein (p.Lys516Glu).

NM_020458.4(TTC7A):c.1546A>G (p.Lys516Glu)

Gene: TTC7A (tetratricopeptide repeat domain 7A; plus strand). Cytogenetic location: 2p21.
Variant type: single nucleotide variant.
Coding change: c.1546A>G on transcript NM_020458.4 (MANE Select); coding-DNA position 1546, A replaced by G.
Protein change: p.Lys516Glu; replaces lysine 516 with glutamic acid.
Molecular consequence: missense variant.
Genome position (GRCh38, 1-based): chr2:47,023,443, A>G. VCF-style: chr2-47023443-A-G. GRCh37 (hg19) VCF-style: chr2-47250582-A-G.
Other names: c.1546A>G, p.Lys516Glu (NM_001288951.2); c.1444A>G, p.Lys482Glu (NM_001288953.2); c.484A>G, p.Lys162Glu (NM_001288955.2); short protein forms K162E, K516E, K482E.
Identifiers: ClinVar variation 1353092 (VCV001353092.6), dbSNP rs1679514263, ClinGen allele CA346716251.